The following is an entry in ClinVar:

NM_000432.4(MYL2):c.45_46delinsT (p.Asn16fs)

Genes: MYL2 (myosin light chain 2; minus strand), LOC114827850 (VISTA enhancer hs2149; plus strand). Cytogenetic location: 12q24.11.
Variant type: Indel.
Coding change: c.45_46delinsT on transcript NM_000432.4 (MANE Select); coding-DNA positions 45 to 46, CA replaced by T.
Protein change: p.Asn16fs; shifts the reading frame from asparagine 16.
Molecular consequence: frameshift variant.
Genome position (GRCh38, 1-based): chr12:110,919,151-110,919,152, TG replaced by A on the plus strand (CA replaced by T on the coding strand, the reverse complement: MYL2 is on the minus strand). VCF-style: chr12-110919151-TG-A. GRCh37 (hg19) VCF-style: chr12-111356955-TG-A.
Other names: c.45_46delCAinsT (NM_000432.3); short protein forms N16fs.
Identifiers: ClinVar variation 177719 (VCV000177719.11), dbSNP rs727504300, ClinGen allele CA010378.

ClinVar aggregate classification (germline): Conflicting classifications of pathogenicity. Review status: criteria provided, conflicting classifications (1 of 4 stars). 5 submissions from 5 submitters: Uncertain significance (4); Likely benign (1). Last evaluated 2026-02-09.

Conditions:
Cardiovascular phenotype. Identifiers: MedGen CN230736.
Hypertrophic cardiomyopathy 10. Also called: CARDIOMYOPATHY, HYPERTROPHIC, MID-LEFT VENTRICULAR CHAMBER TYPE, 2; MYL2-Related Familial Hypertrophic Cardiomyopathy. Identifiers: MedGen C1834460, MONDO:0012112, OMIM 608758.

Submissions (5):

Women's Health and Genetics/Laboratory Corporation of America, LabCorp
Classification: Uncertain significance. Last evaluated: 2026-02-09. Review status: criteria provided, single submitter. Criteria: LabCorp Variant Classification Summary - May 2015. Collection method: clinical testing. Allele origin: germline.
Comment: Variant summary: MYL2 c.45_46delinsT (p.Asn16ThrfsX34) results in a premature termination codon, predicted to cause a truncation of the encoded protein or absence of the protein due to nonsense mediated decay, however current evidence is not sufficient to establish loss of function as a mechanism for disease. The variant was absent in 282832 control chromosomes (gnomAD). The available data on variant occurrences in the general population are insufficient to allow any conclusion about variant significance. c.45_46delinsT has been observed in an individual affected with Hypertrophic Cardiomyopathy without strong evidence of causality (Walsh_2017). These report(s) do not provide unequivocal conclusions about association of the variant with Hypertrophic Cardiomyopathy. To our knowledge, no experimental evidence demonstrating an impact on protein function has been reported. The following publication has been ascertained in the context of this evaluation (PMID: 27532257). ClinVar contains an entry for this variant (Variation ID: 177719). Based on the evidence outlined above, the variant was classified as uncertain significance.

GeneDx
Classification: Uncertain significance. Last evaluated: 2026-01-27. Review status: criteria provided, single submitter. Criteria: GeneDx Variant Classification Process June 2021. Collection method: clinical testing. Allele origin: germline.
Comment: Frameshift variant predicted to result in protein truncation or nonsense mediated decay in a gene or region of a gene for which loss of function is not a well-established mechanism of disease; Not observed at significant frequency in large population cohorts (gnomAD); Identified in an individual with HCM in the published literature (PMID: 27532257); This variant is associated with the following publications: (PMID: 27532257)

Labcorp Genetics (formerly Invitae), Labcorp
Classification: Likely benign for Hypertrophic cardiomyopathy 10. Last evaluated: 2025-07-30. Review status: criteria provided, single submitter. Criteria: Invitae Variant Classification Sherloc (09022015). Collection method: clinical testing. Allele origin: germline.

Ambry Genetics
Classification: Uncertain significance for Cardiovascular phenotype. Last evaluated: 2025-06-13. Review status: criteria provided, single submitter. Criteria: Ambry Variant Classification Scheme 2023. Collection method: clinical testing. Allele origin: germline.
Comment: The c.45_46delCAinsT variant, located in coding exon 2 of the MYL2 gene, results from the deletion of two nucleotides and insertion of one nucleotide causing a translational frameshift with a predicted alternate stop codon (p.N16Tfs*34). This variant was reported in individual(s) with features consistent with hypertrophic cardiomyopathy (HCM) (Walsh R et al. Genet Med, 2017 Feb;19:192-203). Although biallelic loss of function of MYL2 has been associated with autosomal recessive MYL2-related myofibrillar myopathy with cardiomyopathy, haploinsufficiency of MYL2 has not been established as a mechanism of disease for autosomal dominant MYL2-related cardiomyopathy. Based on the supporting evidence, this variant is expected to be causative of autosomal recessive MYL2-related myofibrillar myopathy with cardiomyopathy when present along with a second pathogenic variant on the other allele; however, its clinical significance for autosomal dominant MYL2-related cardiomyopathy is unclear.

Laboratory for Molecular Medicine, Mass General Brigham Personalized Medicine
Classification: Uncertain significance. Last evaluated: 2016-07-08. Review status: criteria provided, single submitter. Criteria: LMM Criteria. Collection method: clinical testing. Allele origin: germline. Observed: 4 variant alleles.
Comment: Variant classified as Uncertain Significance - Favor Pathogenic. I t has also been identified in 1/66542 European chromosomes by the Exome Aggregat ion Consortium (ExAC). This variant is predicted to cause a frameshift, which alters the protein?s amino acid sequence beginning at position 16 and leads to a premature termination codon 34 amino acids downst ream. This alteration is then predicted to lead to a truncated or absent protein . However, loss of function is not an established disease mechanism for this gen e at this time. In summary, while there is some suspicion for a pathogenic role, the clinical significance of the p.Asn16fs variant is uncertain.

Literature cited by the submitters: PubMed 27532257 (cited by Women's Health and Genetics/Laboratory Corporation of America, LabCorp and Ambry Genetics).